The following is an entry in ClinVar:

NM_001142864.4(PIEZO1):c.1195+1G>T

Genes: HSALR1 (HSP90AB1 associated lncRNA 1; plus strand), PIEZO1 (piezo type mechanosensitive ion channel component 1 (Er blood group); minus strand), LOC130059751 (ATAC-STARR-seq lymphoblastoid silent region 7872; plus strand). Cytogenetic location: 16q24.3.
Variant type: single nucleotide variant.
Coding change: c.1195+1G>T on transcript NM_001142864.4 (MANE Select); the canonical splice donor site of the intron after coding-DNA position 1195, G replaced by T.
Molecular consequence: splice donor variant.
Genome position (GRCh38, 1-based): chr16:88,737,558, C>A on the plus strand (G>T on the coding strand, the complement: PIEZO1 is on the minus strand). VCF-style: chr16-88737558-C-A. GRCh37 (hg19) VCF-style: chr16-88803966-C-A.
Identifiers: ClinVar variation 5005658 (VCV005005658.2).

ClinVar aggregate classification (germline): Likely pathogenic (1 of 4 stars; one submission).

Conditions:
Blood group, ER (ER). Also called: ER BLOOD GROUP SYSTEM. Identifiers: MedGen C5703066, OMIM 620207.
Dehydrated hereditary stomatocytosis with or without pseudohyperkalemia and/or perinatal edema (DHS1). Also called: Dehydrated hereditary stomatocytosis 1 with or without pseudohyperkalemia and/or perinatal edema; PSEUDOHYPERKALEMIA EDINBURGH; DEHYDRATED HEREDITARY STOMATOCYTOSIS AND PSEUDOHYPERKALEMIA; DEHYDRATED HEREDITARY STOMATOCYTOSIS WITH PSEUDOHYPERKALEMIA AND PERINATAL EDEMA; Pseudohyperkalemia, familial, 1, due to red cell leak. Identifiers: Orphanet 3202, MedGen C4551512, MONDO:0008689, OMIM 194380.
Lymphatic malformation 6 (LMPHM6). Also called: PIEZO1-related generalized lymphatic dysplasia with non-immune hydrops fetalis; GENERALIZED LYMPHATIC DYSPLASIA OF FOTIOU; Lymphedema, hereditary, III. Identifiers: Orphanet 568062, MedGen C4225184, MONDO:0014797, OMIM 616843.

Submission:

Juno Genomics, Hangzhou Juno Genomics, Inc
Classification: Likely pathogenic for Blood group, ER; Dehydrated hereditary stomatocytosis with or without pseudohyperkalemia and/or perinatal edema; Lymphatic malformation 6. Review status: criteria provided, single submitter. Criteria: ACMG Guidelines, 2015. Collection method: clinical testing. Allele origin: germline.
Comment: Null variant in a gene where loss of function (LOF) is a known mechanism of disease.;Absent from controls (or at extremely low frequency if recessive) in Genome Aggregation Database.